The following is an entry in ClinVar:

ClinVar aggregate classification (germline): Uncertain significance (1 of 4 stars; one submission).

Conditions:
POLD1-related polyposis and colorectal cancer syndrome (CRCS10). Also called: Colorectal cancer 10; COLORECTAL CANCER, SUSCEPTIBILITY TO, ON CHROMOSOME 19q; Colorectal cancer, susceptibility to, 10. Identifiers: Orphanet 220460, MedGen C2675481, MONDO:0012953, OMIM 612591.

Submission:

Labcorp Genetics (formerly Invitae), Labcorp
Classification: Uncertain significance for POLD1-related polyposis and colorectal cancer syndrome. Last evaluated: 2024-06-22. Review status: criteria provided, single submitter. Criteria: Invitae Variant Classification Sherloc (09022015). Collection method: clinical testing. Allele origin: germline.
Comment: This sequence change replaces methionine, which is neutral and non-polar, with arginine, which is basic and polar, at codon 457 of the POLD1 protein (p.Met457Arg). This variant is not present in population databases (gnomAD no frequency). This variant has not been reported in the literature in individuals affected with POLD1-related conditions. Advanced modeling of protein sequence and biophysical properties (such as structural, functional, and spatial information, amino acid conservation, physicochemical variation, residue mobility, and thermodynamic stability) performed at Invitae indicates that this missense variant is not expected to disrupt POLD1 protein function with a negative predictive value of 80%. In summary, the available evidence is currently insufficient to determine the role of this variant in disease. Therefore, it has been classified as a Variant of Uncertain Significance.

NM_002691.4(POLD1):c.1370T>G (p.Met457Arg)

Gene: POLD1 (DNA polymerase delta 1, catalytic subunit; plus strand). Cytogenetic location: 19q13.33.
Variant type: single nucleotide variant.
Coding change: c.1370T>G on transcript NM_002691.4 (MANE Select); coding-DNA position 1370, T replaced by G.
Protein change: p.Met457Arg; replaces methionine 457 with arginine.
Molecular consequence: missense variant. On other transcripts: non-coding transcript variant (1).
Genome position (GRCh38, 1-based): chr19:50,406,309, T>G. VCF-style: chr19-50406309-T-G. GRCh37 (hg19) VCF-style: chr19-50909566-T-G.
Other names: c.1370T>G, p.Met457Arg (NM_001256849.1, NM_001308632.1); short protein forms M457R.
Identifiers: ClinVar variation 3657349 (VCV003657349.2).